The following is an entry in ClinVar:

NM_078629.4(MSL3):c.1281+1G>A

Gene: MSL3 (MSL complex subunit 3; plus strand). Cytogenetic location: Xp22.2.
Variant type: single nucleotide variant.
Coding change: c.1281+1G>A on transcript NM_078629.4 (MANE Select); the canonical splice donor site of the intron after coding-DNA position 1281, G replaced by A.
Molecular consequence: splice donor variant.
Genome position (GRCh38, 1-based): chrX:11,768,683, G>A. VCF-style: chrX-11768683-G-A. GRCh37 (hg19) VCF-style: chrX-11786802-G-A.
Other names: c.834+1G>A (NM_001282174.1); c.1245+1G>A (NM_001193270.2); c.783+1G>A (NM_006800.4).
Identifiers: ClinVar variation 4111269 (VCV004111269.1).
Genomic context (GRCh38, chrX:11,768,683, plus strand): 5'-AAGGAAGGGAGTGCTGTGTTTGCTGGCTTTGAAGGGAGAAGAACTAATGAAATAAACGAG[G>A]TAAAGAATGTTTGATGTTTGTTCCCAATGGTTCCTTTATTTGTGATTACTTCAATTCTAT-3'

ClinVar aggregate classification (germline): Likely pathogenic (1 of 4 stars; one submission).

Conditions:
Inborn genetic diseases. Identifiers: MedGen C0950123, MeSH D030342.

Submission:

Ambry Genetics
Classification: Likely pathogenic for Inborn genetic diseases. Last evaluated: 2025-08-18. Review status: criteria provided, single submitter. Criteria: Ambry Variant Classification Scheme 2023. Collection method: clinical testing. Allele origin: germline.
Comment: The c.1281+1G>A intronic variant results from a G to A substitution one nucleotide after coding exon 10 of the MSL3 gene. Alterations that disrupt the canonical splice site are expected to cause aberrant splicing, resulting in an abnormal protein or a transcript that is subject to nonsense-mediated mRNA decay. This variant was not reported in population-based cohorts in the Genome Aggregation Database (gnomAD). This nucleotide position is highly conserved in available vertebrate species. In silico splice site analysis predicts that this alteration will weaken the native splice donor site. Based on the available evidence, this alteration is classified as likely pathogenic.